The following is an entry in ClinVar:

ClinVar aggregate classification (germline): Uncertain significance (1 of 4 stars; one submission).

Submission:

Ambry Genetics
Classification: Uncertain significance. Last evaluated: 2023-11-11. Review status: criteria provided, single submitter. Criteria: Ambry Variant Classification Scheme 2023. Collection method: clinical testing. Allele origin: germline.
Comment: The p.P1588S variant (also known as c.4762C>T), located in coding exon 16 of the POLQ gene, results from a C to T substitution at nucleotide position 4762. The proline at codon 1588 is replaced by serine, an amino acid with similar properties. This amino acid position is conserved. In addition, this alteration is predicted to be tolerated by in silico analysis. Since supporting evidence is limited at this time, the clinical significance of this alteration remains unclear.

NM_199420.4(POLQ):c.4762C>T (p.Pro1588Ser)

Gene: POLQ (DNA polymerase theta; minus strand). Cytogenetic location: 3q13.33.
Variant type: single nucleotide variant.
Coding change: c.4762C>T on transcript NM_199420.4 (MANE Select); coding-DNA position 4762, C replaced by T.
Protein change: p.Pro1588Ser; replaces proline 1588 with serine.
Molecular consequence: missense variant.
Genome position (GRCh38, 1-based): chr3:121,488,169, G>A on the plus strand (C>T on the coding strand, the complement: POLQ is on the minus strand). VCF-style: chr3-121488169-G-A. GRCh37 (hg19) VCF-style: chr3-121207016-G-A.
Other names: short protein forms P1588S.
Identifiers: ClinVar variation 3230013 (VCV003230013.1), dbSNP rs2048030179, ClinGen allele CA354093921.